The following is an entry in ClinVar:

NM_005902.4(SMAD3):c.155A>G (p.Glu52Gly)

Gene: SMAD3 (SMAD family member 3; plus strand). Cytogenetic location: 15q22.33.
Variant type: single nucleotide variant.
Coding change: c.155A>G on transcript NM_005902.4 (MANE Select); coding-DNA position 155, A replaced by G.
Protein change: p.Glu52Gly; replaces glutamic acid 52 with glycine.
Molecular consequence: missense variant.
Genome position (GRCh38, 1-based): chr15:67,066,309, A>G. VCF-style: chr15-67066309-A-G. GRCh37 (hg19) VCF-style: chr15-67358647-A-G.
Other names: c.155A>G, p.Glu52Gly (NM_001407011.1, NM_001407012.1, NM_001407013.1); short protein forms E52G.
Identifiers: ClinVar variation 3075270 (VCV003075270.3), dbSNP rs2505000100, ClinGen allele CA393203013.

ClinVar aggregate classification (germline): Conflicting classifications of pathogenicity. Review status: criteria provided, conflicting classifications (1 of 4 stars). 2 submissions from 2 submitters: Pathogenic (1); Uncertain significance (1). Last evaluated 2025-12-02.

Conditions:
Aneurysm-osteoarthritis syndrome. Also called: ANEURYSMS-OSTEOARTHRITIS SYNDROME; SMAD3-Related Loeys-Dietz Syndrome; LOEYS-DIETZ SYNDROME WITH OSTEOARTHRITIS; Loeys-Dietz syndrome, type 1C. Identifiers: Orphanet 284984, MedGen C3151087, MONDO:0013426, OMIM 613795.
Familial thoracic aortic aneurysm and aortic dissection (TAAD). Also called: Thoracic aortic aneurysms and dissections. Identifiers: Orphanet 91387, MedGen C4707243, MONDO:0019625.

Submissions (2):

Labcorp Genetics (formerly Invitae), Labcorp
Classification: Pathogenic for Familial thoracic aortic aneurysm and aortic dissection. Last evaluated: 2025-12-02. Review status: criteria provided, single submitter. Criteria: Invitae Variant Classification Sherloc (09022015). Collection method: clinical testing. Allele origin: germline.
Comment: This sequence change replaces glutamic acid, which is acidic and polar, with glycine, which is neutral and non-polar, at codon 52 of the SMAD3 protein (p.Glu52Gly). This variant is not present in population databases (gnomAD no frequency). This missense change has been observed in individual(s) with clinical features of SMAD3-related Loeys-Dietz syndrome (external communication, internal data). It has also been observed to segregate with disease in related individuals. ClinVar contains an entry for this variant (Variation ID: 3075270). Invitae Evidence Modeling of protein sequence and biophysical properties (such as structural, functional, and spatial information, amino acid conservation, physicochemical variation, residue mobility, and thermodynamic stability) indicates that this missense variant is expected to disrupt SMAD3 protein function with a positive predictive value of 80%. This variant disrupts the p.Glu52 amino acid residue in SMAD3. Other variant(s) that disrupt this residue have been observed in individuals with SMAD3-related conditions (PMID: 35753512), which suggests that this may be a clinically significant amino acid residue. For these reasons, this variant has been classified as Pathogenic.

All of Us Research Program, National Institutes of Health
Classification: Uncertain significance for Aneurysm-osteoarthritis syndrome. Last evaluated: 2024-05-09. Review status: criteria provided, single submitter. Criteria: ACMG Guidelines, 2015. Collection method: clinical testing. Allele origin: germline. Inheritance: Autosomal dominant inheritance. Observed: 2 variant alleles, 2 heterozygotes.
Comment: This missense variant replaces glutamic acid with glycine at codon 52 of the SMAD3 protein. Computational prediction suggests that this variant may have deleterious impact on protein structure and function (internally defined REVEL score threshold >= 0.7, PMID: 27666373). To our knowledge, functional studies have not been reported for this variant. This variant has not been reported in individuals affected with SMAD3-related disorders in the literature. This variant has not been identified in the general population by the Genome Aggregation Database (gnomAD). The available evidence is insufficient to determine the role of this variant in disease conclusively. Therefore, this variant is classified as a Variant of Uncertain Significance.

This study involves interpretation of variants in research participants for the purpose of population health screening. Participant phenotype was not available at the time of variant classification. Additional details can be found in publication PMID: 35346344, PMCID: PMC8962531

Literature cited by the submitters: PubMed 35753512 (cited by Labcorp Genetics (formerly Invitae), Labcorp).